The following is an entry in ClinVar:

NM_001903.5(CTNNA1):c.796G>A (p.Asp266Asn)

Gene: CTNNA1 (catenin alpha 1; plus strand). Cytogenetic location: 5q31.2.
Variant type: single nucleotide variant.
Coding change: c.796G>A on transcript NM_001903.5 (MANE Select); coding-DNA position 796, G replaced by A.
Protein change: p.Asp266Asn; replaces aspartic acid 266 with asparagine.
Molecular consequence: missense variant.
Genome position (GRCh38, 1-based): chr5:138,824,737, G>A. VCF-style: chr5-138824737-G-A. GRCh37 (hg19) VCF-style: chr5-138160426-G-A.
Other names: c.796G>A, p.Asp266Asn (NM_001290307.3, NM_001323982.2, NM_001323983.1 and 3 more transcripts); c.487G>A, p.Asp163Asn (NM_001290309.3); c.427G>A, p.Asp143Asn (NM_001290310.3); short protein forms D143N, D163N, D266N.
Identifiers: ClinVar variation 856979 (VCV000856979.11), dbSNP rs911099877, ClinGen allele CA128229150.
Genomic context (GRCh38, chr5:138,824,737, plus strand): 5'-AAGCAGCTGCAGCAGGCGGTCACAGGCATTTCCAATGCAGCCCAGGCCACTGCCTCAGAC[G>A]ATGCCTCACAGCACCAGGGTGGAGGAGGAGGAGAACTGGCATATGCACTCAATAACTTTG-3'
Protein context (NP_001894.2, residues 256-276): SNAAQATASD[Asp266Asn]ASQHQGGGGG

ClinVar aggregate classification (germline): Uncertain significance. Review status: criteria provided, multiple submitters, no conflicts (2 of 4 stars). 3 submissions from 3 submitters: Uncertain significance (3). Last evaluated 2025-12-30.

Conditions:
Hereditary cancer-predisposing syndrome. Also called: Neoplastic Syndromes, Hereditary; Tumor predisposition; Hereditary Cancer Syndrome; Hereditary neoplastic syndrome. Identifiers: Orphanet 140162, MedGen C0027672, MeSH D009386, MONDO:0015356.

gnomAD v4.1: 2 of 1,614,172 alleles (0.00012%); highest among the groups gnomAD compares: Middle Eastern, 0.016%; no homozygotes.

Submissions (3):

Labcorp Genetics (formerly Invitae), Labcorp
Classification: Uncertain significance. Last evaluated: 2025-12-30. Review status: criteria provided, single submitter. Criteria: Invitae Variant Classification Sherloc (09022015). Collection method: clinical testing. Allele origin: germline.
Comment: This sequence change replaces aspartic acid, which is acidic and polar, with asparagine, which is neutral and polar, at codon 266 of the CTNNA1 protein (p.Asp266Asn). This variant is not present in population databases (gnomAD no frequency). This variant has not been reported in the literature in individuals affected with CTNNA1-related conditions. ClinVar contains an entry for this variant (Variation ID: 856979). Invitae Evidence Modeling of protein sequence and biophysical properties (such as structural, functional, and spatial information, amino acid conservation, physicochemical variation, residue mobility, and thermodynamic stability) indicates that this missense variant is not expected to disrupt CTNNA1 protein function with a negative predictive value of 80%. In summary, the available evidence is currently insufficient to determine the role of this variant in disease. Therefore, it has been classified as a Variant of Uncertain Significance.

Blueprint Genetics
Classification: Uncertain significance. Last evaluated: 2024-05-15. Review status: criteria provided, single submitter. Criteria: ACMG Guidelines, 2015. Collection method: clinical testing. Allele origin: germline.

Ambry Genetics
Classification: Uncertain significance for Hereditary cancer-predisposing syndrome. Last evaluated: 2023-06-22. Review status: criteria provided, single submitter. Criteria: Ambry Variant Classification Scheme 2023. Collection method: clinical testing. Allele origin: germline.
Comment: The p.D266N variant (also known as c.796G>A), located in coding exon 5 of the CTNNA1 gene, results from a G to A substitution at nucleotide position 796. The aspartic acid at codon 266 is replaced by asparagine, an amino acid with highly similar properties. This amino acid position is well conserved in available vertebrate species. In addition, this alteration is predicted to be tolerated by in silico analysis. The evidence for this gene-disease relationship is limited; therefore, the clinical significance of this alteration is unclear.